The following is an entry in ClinVar:

ClinVar aggregate classification (germline): Conflicting classifications of pathogenicity. Review status: criteria provided, conflicting classifications (1 of 4 stars). 3 submissions from 3 submitters: Uncertain significance (2); Likely benign (1). Last evaluated 2025-10-05.

Conditions:
Hereditary breast ovarian cancer syndrome. Also called: Hereditary breast and ovarian cancer; BRCA1- and BRCA2-Associated Hereditary Breast and Ovarian Cancer; Hereditary breast and ovarian cancer syndrome (HBOC); Hereditary breast and ovarian cancer syndrome; Breast and ovarian cancer; Hereditary breast and/or ovarian cancer syndrome. Identifiers: Orphanet 145, MedGen C0677776, MeSH D061325, MONDO:0003582. Disease mechanism: loss of function.
Hereditary cancer-predisposing syndrome. Also called: Hereditary Cancer Syndrome; Hereditary neoplastic syndrome; Neoplastic Syndromes, Hereditary; Tumor predisposition. Identifiers: Orphanet 140162, MedGen C0027672, MeSH D009386, MONDO:0015356.

gnomAD v4.1: 12 of 1,607,334 alleles (0.00075%); highest among the groups gnomAD compares: Non-Finnish European, 0.00093%; no homozygotes.

Submissions (3):

Labcorp Genetics (formerly Invitae), Labcorp
Classification: Uncertain significance for Hereditary breast ovarian cancer syndrome. Last evaluated: 2025-10-05. Review status: criteria provided, single submitter. Criteria: Invitae Variant Classification Sherloc (09022015). Collection method: clinical testing. Allele origin: germline.
Comment: This sequence change replaces arginine, which is basic and polar, with lysine, which is basic and polar, at codon 2099 of the BRCA2 protein (p.Arg2099Lys). This variant is present in population databases (no rsID available, gnomAD 0.002%). This variant has not been reported in the literature in individuals affected with BRCA2-related conditions. ClinVar contains an entry for this variant (Variation ID: 1752676). Invitae Evidence Modeling of protein sequence and biophysical properties (such as structural, functional, and spatial information, amino acid conservation, physicochemical variation, residue mobility, and thermodynamic stability) indicates that this missense variant is not expected to disrupt BRCA2 protein function with a negative predictive value of 95%. In summary, the available evidence is currently insufficient to determine the role of this variant in disease. Therefore, it has been classified as a Variant of Uncertain Significance.

University of Washington Department of Laboratory Medicine, University of Washington
Classification: Likely benign for Hereditary cancer-predisposing syndrome. Last evaluated: 2023-03-23. Review status: criteria provided, single submitter. Criteria: Dines et al. (Genet Med. 2020). Collection method: curation. Allele origin: germline.
Comment: Missense variant in a coldspot region where missense variants are very unlikely to be pathogenic (PMID:31911673).

BRCA2 exon 11 coldspot. Reclassification based on statistical prior probability.

Ambry Genetics
Classification: Uncertain significance for Hereditary cancer-predisposing syndrome. Last evaluated: 2021-05-27. Review status: criteria provided, single submitter. Criteria: Ambry Variant Classification Scheme 2023. Collection method: clinical testing. Allele origin: germline.
Comment: The p.R2099K variant (also known as c.6296G>A), located in coding exon 10 of the BRCA2 gene, results from a G to A substitution at nucleotide position 6296. The arginine at codon 2099 is replaced by lysine, an amino acid with highly similar properties. This variant was reported in 1/60,466 breast cancer cases and in 0/53,461 controls (Dorling et al. N Engl J Med. 2021 02;384:428-439). This amino acid position is not well conserved in available vertebrate species. In addition, this alteration is predicted to be tolerated by in silico analysis. Since supporting evidence is limited at this time, the clinical significance of this alteration remains unclear.

Literature cited by the submitters: PubMed 33471991 (cited by Ambry Genetics).

NM_000059.4(BRCA2):c.6296G>A (p.Arg2099Lys)

Gene: BRCA2 (BRCA2 DNA repair associated; plus strand). Cytogenetic location: 13q13.1.
Variant type: single nucleotide variant.
Coding change: c.6296G>A on transcript NM_000059.4 (MANE Select); coding-DNA position 6296, G replaced by A.
Protein change: p.Arg2099Lys; replaces arginine 2099 with lysine.
Molecular consequence: missense variant.
Genome position (GRCh38, 1-based): chr13:32,340,651, G>A. VCF-style: chr13-32340651-G-A. GRCh37 (hg19) VCF-style: chr13-32914788-G-A.
Other names: c.6296G>A, p.Arg2099Lys (NM_001406719.1, NM_001406720.1); short protein forms R2099K.
Identifiers: ClinVar variation 1752676 (VCV001752676.12), dbSNP rs80358868, ClinGen allele CA387789017.